The following is an entry in ClinVar:

NM_001378778.1(MPDZ):c.2736G>C (p.Gln912His)

Gene: MPDZ (multiple PDZ domain crumbs cell polarity complex component; minus strand). Cytogenetic location: 9p23.
Variant type: single nucleotide variant.
Coding change: c.2736G>C on transcript NM_001378778.1 (MANE Select); coding-DNA position 2736, G replaced by C.
Protein change: p.Gln912His; replaces glutamine 912 with histidine.
Molecular consequence: missense variant.
Genome position (GRCh38, 1-based): chr9:13,176,331, C>G on the plus strand (G>C on the coding strand, the complement: MPDZ is on the minus strand). VCF-style: chr9-13176331-C-G. GRCh37 (hg19) VCF-style: chr9-13176330-C-G.
Other names: c.2736G>C, p.Gln912His (NM_001261406.2, NM_001261407.2, NM_001330637.2 and 14 more transcripts); short protein forms Q912H.
Identifiers: ClinVar variation 1405895 (VCV001405895.8), dbSNP rs530878412, ClinGen allele CA372935345.

ClinVar aggregate classification (germline): Uncertain significance (1 of 4 stars; one submission).

Submission:

Labcorp Genetics (formerly Invitae), Labcorp
Classification: Uncertain significance. Last evaluated: 2023-11-13. Review status: criteria provided, single submitter. Criteria: Invitae Variant Classification Sherloc (09022015). Collection method: clinical testing. Allele origin: germline.
Comment: This sequence change replaces glutamine, which is neutral and polar, with histidine, which is basic and polar, at codon 912 of the MPDZ protein (p.Gln912His). This variant is not present in population databases (gnomAD no frequency). This variant has not been reported in the literature in individuals affected with MPDZ-related conditions. ClinVar contains an entry for this variant (Variation ID: 1405895). An algorithm developed to predict the effect of missense changes on protein structure and function (PolyPhen-2) suggests that this variant is likely to be tolerated. In summary, the available evidence is currently insufficient to determine the role of this variant in disease. Therefore, it has been classified as a Variant of Uncertain Significance.